The following is an entry in ClinVar:

ClinVar aggregate classification (germline): Pathogenic (1 of 4 stars; one submission).

Conditions:
Leber congenital amaurosis 3 (LCA3). Also called: SPATA7-Related Retinitis Pigmentosa. Identifiers: MedGen C1858677, MONDO:0011415, OMIM 604232.

Submission:

Labcorp Genetics (formerly Invitae), Labcorp
Classification: Pathogenic for Leber congenital amaurosis 3. Last evaluated: 2022-07-12. Review status: criteria provided, single submitter. Criteria: Invitae Variant Classification Sherloc (09022015). Collection method: clinical testing. Allele origin: germline.
Comment: ClinVar contains an entry for this variant (Variation ID: 1411536). This variant has not been reported in the literature in individuals affected with SPATA7-related conditions. This variant is not present in population databases (gnomAD no frequency). This sequence change creates a premature translational stop signal (p.Gly324Thrfs*25) in the SPATA7 gene. It is expected to result in an absent or disrupted protein product. Loss-of-function variants in SPATA7 are known to be pathogenic (PMID: 19268277, 22334370, 23847139, 26047050, 26261414). For these reasons, this variant has been classified as Pathogenic.

Literature cited by the submitters: PubMed 19268277; PubMed 22334370; PubMed 23847139; PubMed 26047050; PubMed 26261414.

NM_018418.5(SPATA7):c.969_975del (p.Gly324fs)

Gene: SPATA7 (spermatogenesis associated 7; plus strand). Cytogenetic location: 14q31.3.
Variant type: Deletion.
Coding change: c.969_975del on transcript NM_018418.5 (MANE Select); coding-DNA positions 969 to 975, 7 bases deleted (AGGGCAT; older notation c.969_975delAGGGCAT).
Protein change: p.Gly324fs; shifts the reading frame from glycine 324.
Molecular consequence: frameshift variant.
Genome position (GRCh38, 1-based): chr14:88,429,404-88,429,410, AGGGCAT deleted. VCF-style (leftmost placement, unchanged base first): chr14-88429403-AAGGGCAT-A. GRCh37 (hg19) VCF-style: chr14-88895747-AAGGGCAT-A.
Other names: c.873_879del, p.Gly292fs (NM_001040428.4); short protein forms G292fs, G324fs.
Identifiers: ClinVar variation 1411536 (VCV001411536.6), dbSNP rs2140004287, ClinGen allele CA2573150215.